The following is an entry in ClinVar:

ClinVar aggregate classification (germline): Likely benign (1 of 4 stars; one submission).

gnomAD v4.1: 694 of 1,603,624 alleles (0.043%); highest among the groups gnomAD compares: Middle Eastern, 1.2%; 2 homozygotes.

Submission:

CeGaT Center for Human Genetics Tuebingen
Classification: Likely benign. Last evaluated: 2025-02-01. Review status: criteria provided, single submitter. Criteria: CeGaT Center For Human Genetics Tuebingen Variant Classification Criteria Version 2. Collection method: clinical testing. Allele origin: germline. Affected: yes. Observed: 2 variant alleles.
Comment: WASL: BP4

NM_003941.4(WASL):c.564G>A (p.Lys188=)

Gene: WASL (WASP like actin nucleation promoting factor; minus strand). Cytogenetic location: 7q31.32.
Variant type: single nucleotide variant.
Coding change: c.564G>A on transcript NM_003941.4 (MANE Select); coding-DNA position 564, G replaced by A.
Protein change: p.Lys188=; no amino-acid change (lysine 188 retained).
Molecular consequence: synonymous variant.
Genome position (GRCh38, 1-based): chr7:123,696,644, C>T on the plus strand (G>A on the coding strand, the complement: WASL is on the minus strand). VCF-style: chr7-123696644-C-T. GRCh37 (hg19) VCF-style: chr7-123336698-C-T.
Identifiers: ClinVar variation 3770572 (VCV003770572.13).